The following is an entry in ClinVar:

NM_173076.3(ABCA12):c.4689C>T (p.Tyr1563=)

Gene: ABCA12 (ATP binding cassette subfamily A member 12; minus strand). Cytogenetic location: 2q35.
Variant type: single nucleotide variant.
Coding change: c.4689C>T on transcript NM_173076.3 (MANE Select); coding-DNA position 4689, C replaced by T.
Protein change: p.Tyr1563=; no amino-acid change (tyrosine 1563 retained).
Molecular consequence: synonymous variant. On other transcripts: non-coding transcript variant (1).
Genome position (GRCh38, 1-based): chr2:214,980,534, G>A on the plus strand (C>T on the coding strand, the complement: ABCA12 is on the minus strand). VCF-style: chr2-214980534-G-A. GRCh37 (hg19) VCF-style: chr2-215845258-G-A.
Other names: c.4689C>T (NM_173076.2); c.3735C>T, p.Tyr1245= (NM_015657.4).
Identifiers: ClinVar variation 2715596 (VCV002715596.5), dbSNP rs138177557, ClinGen allele CA2091415.
Genomic context (GRCh38, chr2:214,980,534, plus strand): 5'-CATTCCTACCTTCTTCTTGGTAAGCGTGAGGTGATACCCATCGCCAAAGGCTTCCTTGAG[G>A]TAAAATGGGGACCCACAGCACCTAAGCCCACCCTGCTCCAGGAAGGCGATGCGGTCACTC-3'
Protein context (NP_775099.2, residues 1553-1573): GGLRCCGSPF[Tyr1563=]LKEAFGDGYH

ClinVar aggregate classification (germline): Benign. Review status: criteria provided, single submitter (1 of 4 stars). 2 submissions from 2 submitters: Benign (1). 1 of the submissions does not count toward it. Last evaluated 2024-09-05.

Conditions:
ABCA12-related disorder. Also called: ABCA12-related condition.

Allele frequency attached by ClinVar (database versions not stated): gnomAD exomes 0.00004; 1000 Genomes Project 30x 0.00016; 1000 Genomes Project 0.00020; ExAC 0.00023; gnomAD 0.00042; TOPMed 0.00048; ESP Exome Variant Server 0.00062.
gnomAD v4.1: 124 of 1,613,994 alleles (0.0077%); highest among the groups gnomAD compares: African/African-American, 0.15%; no homozygotes.

Submissions (2):

Labcorp Genetics (formerly Invitae), Labcorp
Classification: Benign. Last evaluated: 2024-09-05. Review status: criteria provided, single submitter. Criteria: Invitae Variant Classification Sherloc (09022015). Collection method: clinical testing. Allele origin: germline.

PreventionGenetics, part of Exact Sciences
Classification: Likely benign for ABCA12-related condition. Last evaluated: 2022-11-04. Review status: no assertion criteria provided. Collection method: clinical testing. Allele origin: germline. Not counted in ClinVar's aggregate classification.
Comment: This variant is classified as likely benign based on ACMG/AMP sequence variant interpretation guidelines (Richards et al. 2015 PMID: 25741868, with internal and published modifications).